The following is an entry in ClinVar:

ClinVar aggregate classification (germline): Uncertain significance (1 of 4 stars; one submission).

Submission:

GeneDx
Classification: Uncertain significance. Last evaluated: 2023-08-22. Review status: criteria provided, single submitter. Criteria: GeneDx Variant Classification Process June 2021. Collection method: clinical testing. Allele origin: germline. Affected: yes.
Comment: Not observed at significant frequency in large population cohorts (gnomAD); In silico analysis supports that this missense variant has a deleterious effect on protein structure/function; Has not been previously published as pathogenic or benign to our knowledge

NM_005120.3(MED12):c.4828A>G (p.Lys1610Glu)

Gene: MED12 (mediator complex subunit 12; plus strand). Cytogenetic location: Xq13.1.
Variant type: single nucleotide variant.
Coding change: c.4828A>G on transcript NM_005120.3 (MANE Select); coding-DNA position 4828, A replaced by G.
Protein change: p.Lys1610Glu; replaces lysine 1610 with glutamic acid.
Molecular consequence: missense variant.
Genome position (GRCh38, 1-based): chrX:71,134,813, A>G. VCF-style: chrX-71134813-A-G. GRCh37 (hg19) VCF-style: chrX-70354663-A-G.
Other names: short protein forms K1610E.
Identifiers: ClinVar variation 2577826 (VCV002577826.1), dbSNP rs2519707813, ClinGen allele CA413532614.